The following is an entry in ClinVar:

NM_000018.4(ACADVL):c.821C>T (p.Ala274Val)

Gene: ACADVL (acyl-CoA dehydrogenase very long chain; plus strand). Cytogenetic location: 17p13.1.
Variant type: single nucleotide variant.
Coding change: c.821C>T on transcript NM_000018.4 (MANE Select); coding-DNA position 821, C replaced by T.
Protein change: p.Ala274Val; replaces alanine 274 with valine.
Molecular consequence: missense variant.
Genome position (GRCh38, 1-based): chr17:7,222,245, C>T. VCF-style: chr17-7222245-C-T. GRCh37 (hg19) VCF-style: chr17-7125564-C-T.
Other names: c.755C>T, p.Ala252Val (NM_001033859.3); c.890C>T, p.Ala297Val (NM_001270447.2); c.593C>T, p.Ala198Val (NM_001270448.2); c.821C>T (NM_000018.2); short protein forms A252V, A274V, A297V, A198V.
Identifiers: ClinVar variation 2155727 (VCV002155727.2), dbSNP rs1245251261, ClinGen allele CA397723758.
Genomic context (GRCh38, chr17:7,222,245, plus strand): 5'-GCCTAGCAGACATCTTCACGGTCTTTGCCAAGACACCAGTTACAGATCCAGCCACAGGAG[C>T]CGTGAAGGAGAAGATCACAGCTTTTGTGGTGGAGAGGGGCTTCGGGGGCATTACCCAGTG-3'
Protein context (NP_000009.1, residues 264-284): KTPVTDPATG[Ala274Val]VKEKITAFVV

ClinVar aggregate classification (germline): Uncertain significance. Review status: criteria provided, multiple submitters, no conflicts (2 of 4 stars). 2 submissions from 2 submitters: Uncertain significance (2). Last evaluated 2026-05-17.

Conditions:
Inborn genetic diseases. Identifiers: MedGen C0950123, MeSH D030342.
Very long chain acyl-CoA dehydrogenase deficiency (ACADVLD). Also called: Very Long-Chain Acyl-Coenzyme A Dehydrogenase Deficiency; VLCAD Deficiency. Identifiers: Orphanet 26793, MedGen C3887523, MONDO:0008723, OMIM 201475.

Allele frequency attached by ClinVar (database versions not stated): gnomAD exomes 0.00001.
gnomAD v4.1: 12 of 1,614,094 alleles (0.00074%); highest among the groups gnomAD compares: Non-Finnish European, 0.001%; no homozygotes.

Submissions (2):

Ambry Genetics
Classification: Uncertain significance for Inborn genetic diseases. Last evaluated: 2026-05-17. Review status: criteria provided, single submitter. Criteria: Ambry Variant Classification Scheme 2023. Collection method: clinical testing. Allele origin: germline.
Comment: The p.A274V variant (also known as c.821C>T), located in coding exon 9 of the ACADVL gene, results from a C to T substitution at nucleotide position 821. The alanine at codon 274 is replaced by valine, an amino acid with similar properties. This amino acid position is conserved. In addition, this alteration is predicted to be tolerated by in silico analysis. Based on the available evidence, the clinical significance of this variant remains unclear.

Labcorp Genetics (formerly Invitae), Labcorp
Classification: Uncertain significance for Very long chain acyl-CoA dehydrogenase deficiency. Last evaluated: 2022-01-26. Review status: criteria provided, single submitter. Criteria: Invitae Variant Classification Sherloc (09022015). Collection method: clinical testing. Allele origin: germline.
Comment: This sequence change replaces alanine, which is neutral and non-polar, with valine, which is neutral and non-polar, at codon 274 of the ACADVL protein (p.Ala274Val). This variant is present in population databases (no rsID available, gnomAD 0.0009%). This variant has not been reported in the literature in individuals affected with ACADVL-related conditions. Algorithms developed to predict the effect of missense changes on protein structure and function output the following: SIFT: "Tolerated"; PolyPhen-2: "Benign"; Align-GVGD: "Class C0". The valine amino acid residue is found in multiple mammalian species, which suggests that this missense change does not adversely affect protein function. In summary, the available evidence is currently insufficient to determine the role of this variant in disease. Therefore, it has been classified as a Variant of Uncertain Significance.